The following is an entry in ClinVar:

ClinVar aggregate classification (germline): Likely benign (1 of 4 stars; one submission).

Allele frequency attached by ClinVar (database versions not stated): ESP Exome Variant Server 0.00031.
gnomAD v4.1: 465 of 1,610,190 alleles (0.029%); highest among the groups gnomAD compares: Non-Finnish European, 0.033%; 1 homozygote.

Submission:

CeGaT Center for Human Genetics Tuebingen
Classification: Likely benign. Last evaluated: 2026-07-01. Review status: criteria provided, single submitter. Criteria: CeGaT Center For Human Genetics Tuebingen Variant Classification Criteria Version 2. Collection method: clinical testing. Allele origin: germline. Affected: yes. Observed: 8 variant alleles.
Comment: UGDH: BP4, BP7

NM_003359.4(UGDH):c.132G>T (p.Ala44=)

Gene: UGDH (UDP-glucose 6-dehydrogenase; minus strand). Cytogenetic location: 4p14.
Variant type: single nucleotide variant.
Coding change: c.132G>T on transcript NM_003359.4 (MANE Select); coding-DNA position 132, G replaced by T.
Protein change: p.Ala44=; no amino-acid change (alanine 44 retained).
Molecular consequence: synonymous variant. On other transcripts: intron variant (1).
Genome position (GRCh38, 1-based): chr4:39,521,381, C>A on the plus strand (G>T on the coding strand, the complement: UGDH is on the minus strand). VCF-style: chr4-39521381-C-A. GRCh37 (hg19) VCF-style: chr4-39523001-C-A.
Other names: c.132G>T, p.Ala44= (NM_001184700.2); c.-130+5902G>T (NM_001184701.2).
Identifiers: ClinVar variation 1335558 (VCV001335558.35), dbSNP rs147584374, ClinGen allele CA2895234.